The following is an entry in ClinVar:

NM_001035.3(RYR2):c.14182A>G (p.Met4728Val)

Gene: RYR2 (ryanodine receptor 2; plus strand). Cytogenetic location: 1q43.
Variant type: single nucleotide variant.
Coding change: c.14182A>G on transcript NM_001035.3 (MANE Select); coding-DNA position 14182, A replaced by G.
Protein change: p.Met4728Val; replaces methionine 4728 with valine.
Molecular consequence: missense variant.
Genome position (GRCh38, 1-based): chr1:237,806,167, A>G. VCF-style: chr1-237806167-A-G. GRCh37 (hg19) VCF-style: chr1-237969467-A-G.
Other names: c.14182A>G (NM_001035.2); short protein forms M4728V.
Identifiers: ClinVar variation 926873 (VCV000926873.10), dbSNP rs562116040, ClinGen allele CA39842663.

ClinVar aggregate classification (germline): Uncertain significance. Review status: criteria provided, multiple submitters, no conflicts (2 of 4 stars). 4 submissions from 4 submitters: Uncertain significance (4). Last evaluated 2024-05-06.

Conditions:
Cardiomyopathy (CMYO). Also called: Cardiomyopathies. Identifiers: Orphanet 167848, MedGen C0878544, MONDO:0004994, HP:0001638. Inheritance: Various modes of inheritance.
Catecholaminergic polymorphic ventricular tachycardia 1. Also called: VENTRICULAR TACHYCARDIA, CATECHOLAMINERGIC POLYMORPHIC, 1, WITH OR WITHOUT ATRIAL DYSFUNCTION AND/OR DILATED CARDIOMYOPATHY; VENTRICULAR TACHYCARDIA, STRESS-INDUCED POLYMORPHIC 1; RYR2-Related Catecholaminergic Polymorphic Ventricular Tachycardia. Identifiers: Orphanet 3286, MedGen C1631597, MONDO:0011484, OMIM 604772.
Cardiovascular phenotype. Identifiers: MedGen CN230736.
Catecholaminergic polymorphic ventricular tachycardia (CVPT). Also called: Catecholamine-induced polymorphic ventricular tachycardia. Identifiers: Orphanet 3286, MedGen C5574922, MONDO:0017990.

Allele frequency attached by ClinVar (database versions not stated): gnomAD exomes below 0.00001; 1000 Genomes Project 30x 0.00016; 1000 Genomes Project 0.00020.
gnomAD v4.1: 2 of 1,613,624 alleles (0.00012%); highest among the groups gnomAD compares: Non-Finnish European, 0.00017%; no homozygotes.

Submissions (4):

Labcorp Genetics (formerly Invitae), Labcorp
Classification: Uncertain significance for Catecholaminergic polymorphic ventricular tachycardia 1. Last evaluated: 2024-05-06. Review status: criteria provided, single submitter. Criteria: Invitae Variant Classification Sherloc (09022015). Collection method: clinical testing. Allele origin: germline.
Comment: This sequence change replaces methionine, which is neutral and non-polar, with valine, which is neutral and non-polar, at codon 4728 of the RYR2 protein (p.Met4728Val). This variant is not present in population databases (gnomAD no frequency). This variant has not been reported in the literature in individuals affected with RYR2-related conditions. ClinVar contains an entry for this variant (Variation ID: 926873). Advanced modeling of protein sequence and biophysical properties (such as structural, functional, and spatial information, amino acid conservation, physicochemical variation, residue mobility, and thermodynamic stability) performed at Invitae indicates that this missense variant is not expected to disrupt RYR2 protein function with a negative predictive value of 95%. In summary, the available evidence is currently insufficient to determine the role of this variant in disease. Therefore, it has been classified as a Variant of Uncertain Significance.

All of Us Research Program, National Institutes of Health
Classification: Uncertain significance for Catecholaminergic polymorphic ventricular tachycardia. Last evaluated: 2024-03-05. Review status: criteria provided, single submitter. Criteria: ACMG Guidelines, 2015. Collection method: clinical testing. Allele origin: germline. Inheritance: Autosomal dominant inheritance. Observed: 1 variant allele, 1 heterozygote.
Comment: Variant of Uncertain Significance due to insufficient evidence: This missense variant replaces methionine with valine at codon 4728 of the RYR2 protein. Computational prediction tools and conservation analyses are inconclusive regarding the impact of this variant on the protein function. Computational splicing tools suggest that this variant may not impact RNA splicing. To our knowledge, functional assays have not been performed for this variant nor has this variant been reported in individuals affected with cardiovascular disorders in the literature. This variant is rare in the general population and has been identified in 0/277264 chromosomes by the Genome Aggregation Database (gnomAD). Available evidence is insufficient to determine the role of this variant in disease conclusively.

This study involves interpretation of variants in research participants for the purpose of population health screening. Participant phenotype was not available at the time of variant classification. Additional details can be found in publication PMID: 35346344, PMCID: PMC8962531

Color Diagnostics, LLC DBA Color Health
Classification: Uncertain significance for Cardiomyopathy. Last evaluated: 2023-12-04. Review status: criteria provided, single submitter. Criteria: ACMG Guidelines, 2015. Collection method: clinical testing. Allele origin: germline.
Comment: Variant of Uncertain Significance due to insufficient evidence: This missense variant replaces methionine with valine at codon 4728 of the RYR2 protein. Computational prediction tools and conservation analyses are inconclusive regarding the impact of this variant on the protein function. Computational splicing tools suggest that this variant may not impact RNA splicing. To our knowledge, functional assays have not been performed for this variant nor has this variant been reported in individuals affected with cardiovascular disorders in the literature. This variant is rare in the general population and has been identified in 0/277264 chromosomes by the Genome Aggregation Database (gnomAD). Available evidence is insufficient to determine the role of this variant in disease conclusively.

Ambry Genetics
Classification: Uncertain significance for Cardiovascular phenotype. Last evaluated: 2022-10-13. Review status: criteria provided, single submitter. Criteria: Ambry Variant Classification Scheme 2023. Collection method: clinical testing. Allele origin: germline.